The following is an entry in ClinVar:

NM_000211.5(ITGB2):c.24G>T (p.Leu8=)

Gene: ITGB2 (integrin subunit beta 2; minus strand). Cytogenetic location: 21q22.3.
Variant type: single nucleotide variant.
Coding change: c.24G>T on transcript NM_000211.5 (MANE Select); coding-DNA position 24, G replaced by T.
Protein change: p.Leu8=; no amino-acid change (leucine 8 retained).
Molecular consequence: synonymous variant. On other transcripts: 5 prime UTR variant (1).
Genome position (GRCh38, 1-based): chr21:44,910,759, C>A on the plus strand (G>T on the coding strand, the complement: ITGB2 is on the minus strand). VCF-style: chr21-44910759-C-A. GRCh37 (hg19) VCF-style: chr21-46330674-C-A.
Other names: p.Leu8=; c.24G>T (LRG_76t1); c.24G>T, p.Leu8= (NM_001127491.3); c.-227G>T (NM_001303238.2).
Identifiers: ClinVar variation 100753 (VCV000100753.25), dbSNP rs11088969, ClinGen allele CA249765.

ClinVar aggregate classification (germline): Benign. Review status: criteria provided, multiple submitters, no conflicts (2 of 4 stars). 9 submissions from 9 submitters: Benign (8). 1 of the submissions does not count toward it. Last evaluated 2026-02-03.

Conditions:
Leukocyte adhesion deficiency 1 (LAD1). Also called: LEUKOCYTE ADHESION DEFICIENCY, TYPE I; LAD 1; Lymphocyte function-associated antigen 1 immunodeficiency; LFA 1 immunodeficiency. Identifiers: Orphanet 2968, Orphanet 99842, MedGen C0398738, MONDO:0007293, OMIM 116920.

Allele frequency attached by ClinVar (database versions not stated): gnomAD 0.20978 and 0.21169; gnomAD exomes 0.21051 and 0.21722; 1000 Genomes Project 30x 0.21065; 1000 Genomes Project 0.21306; ESP Exome Variant Server 0.21716; ExAC 0.22850; TOPMed 0.20382.
gnomAD v4.1: 349,634 of 1,613,330 alleles (22%); highest among the groups gnomAD compares: South Asian, 36%; 40,682 homozygotes.

Submissions (9):

Labcorp Genetics (formerly Invitae), Labcorp
Classification: Benign for Leukocyte adhesion deficiency 1. Last evaluated: 2026-02-03. Review status: criteria provided, single submitter. Criteria: Invitae Variant Classification Sherloc (09022015). Collection method: clinical testing. Allele origin: germline.

Women's Health and Genetics/Laboratory Corporation of America, LabCorp
Classification: Benign. Last evaluated: 2026-01-21. Review status: criteria provided, single submitter. Criteria: LabCorp Variant Classification Summary - May 2015. Collection method: clinical testing. Allele origin: germline.

Blueprint Genetics
Classification: Benign. Last evaluated: 2024-11-28. Review status: criteria provided, single submitter. Criteria: ACMG Guidelines, 2015. Collection method: clinical testing. Allele origin: germline.

Unidad de Genómica Garrahan, Hospital de Pediatría Garrahan
Classification: Benign. Last evaluated: 2024-01-24. Review status: criteria provided, single submitter. Criteria: ACMG Guidelines, 2015. Collection method: clinical testing. Allele origin: germline. Affected: no. Observed: 32 variant alleles.
Comment: This variant is classified as Benign based on local population frequency. This variant was detected in 34% of patients studied by a panel of primary immunodeficiencies. Number of patients: 32. Only high quality variants are reported.

Mayo Clinic Laboratories, Mayo Clinic
Classification: Benign. Last evaluated: 2018-09-13. Review status: criteria provided, single submitter. Criteria: ACMG Guidelines, 2015. Collection method: clinical testing. Allele origin: germline. Observed: 290 variant alleles.

Illumina Laboratory Services, Illumina
Classification: Benign for Leukocyte adhesion deficiency 1. Last evaluated: 2018-01-13. Review status: criteria provided, single submitter. Criteria: ICSL Variant Classification Criteria 13 December 2019. Collection method: clinical testing. Allele origin: germline.
Comment: This variant was observed in the ICSL laboratory as part of a predisposition screen in an ostensibly healthy population. It had not been previously curated by ICSL or reported in the Human Gene Mutation Database (HGMD: prior to June 1st, 2018), and was therefore a candidate for classification through an automated scoring system. Utilizing variant allele frequency, disease prevalence and penetrance estimates, and inheritance mode, an automated score was calculated to assess if this variant is too frequent to cause the disease. Based on the score and internal cut-off values, a variant classified as benign is not then subjected to further curation. The score for this variant resulted in a classification of benign for this disease.

GeneDx
Classification: Benign. Last evaluated: 2015-03-03. Review status: criteria provided, single submitter. Criteria: GeneDx Variant Classification Process June 2021. Collection method: clinical testing. Allele origin: germline. Affected: yes.

Breakthrough Genomics
Classification: Benign. Review status: criteria provided, single submitter. Criteria: ACMG Guidelines, 2015. Collection method: not provided. Allele origin: germline. Inheritance: Autosomal recessive inheritance. Affected: yes.

Genomic Research Center, Shahid Beheshti University of Medical Sciences
No classification provided. Condition: Leukocyte adhesion deficiency type 1. Review status: no classification provided. Collection method: not provided. Allele origin: inherited. Study: Mutation spectra of the ITGB2 gene in Iranian families with leukocyte adhesion deficiency type 1. Not counted in ClinVar's aggregate classification.
ClinVar note: Converted during submission from untested to not provided.